The following is an entry in ClinVar:

NM_000195.5(HPS1):c.695C>T (p.Ala232Val)

Gene: HPS1 (HPS1 biogenesis of lysosomal organelles complex 3 subunit 1; minus strand). Cytogenetic location: 10q24.2.
Variant type: single nucleotide variant.
Coding change: c.695C>T on transcript NM_000195.5 (MANE Select); coding-DNA position 695, C replaced by T.
Protein change: p.Ala232Val; replaces alanine 232 with valine.
Molecular consequence: missense variant. On other transcripts: 5 prime UTR variant (3).
Genome position (GRCh38, 1-based): chr10:98,430,644, G>A on the plus strand (C>T on the coding strand, the complement: HPS1 is on the minus strand). VCF-style: chr10-98430644-G-A. GRCh37 (hg19) VCF-style: chr10-100190401-G-A.
Other names: NM_000195.5(HPS1):c.695C>T; p.Ala232Val; c.-179C>T (NM_001311345.2, NM_001322489.2); c.695C>T, p.Ala232Val (NM_001322476.2, NM_001322477.2, NM_001322478.2 and 3 more transcripts); c.434C>T, p.Ala145Val (NM_001322480.2, NM_001322481.2, NM_001322482.2); c.326C>T, p.Ala109Val (NM_001322483.2, NM_001322484.2, NM_001322485.2); c.-278C>T (NM_001322487.2); c.577C>T, p.Pro193Ser (NM_001322490.2, NM_001322492.2); short protein forms A232V, P193S, A145V, A109V.
Identifiers: ClinVar variation 298345 (VCV000298345.15), dbSNP rs764420988, ClinGen allele CA5639313.
Genomic context (GRCh38, chr10:98,430,644, plus strand): 5'-TCTGCTGTGCTCTCGCTGGGGTAGAGGTCCTGAACCAGGAGGATGAGGGCAAGCAGGTCG[G>A]CCGGGCGCAGGGAGCTGGCACTGTGGCTGCAGACACAGGAGCATGGCCACCCATCAGCAC-3'
Protein context (NP_000186.2, residues 222-242): SSHSASSLRP[Ala232Val]DLLALILLVQ

ClinVar aggregate classification (germline): Uncertain significance. Review status: criteria provided, multiple submitters, no conflicts (2 of 4 stars). 9 submissions from 9 submitters: Uncertain significance (9). Last evaluated 2024-11-17.

Conditions:
HPS1-related disorder. Also called: HPS1-related condition.
Hermansky-Pudlak syndrome (HPS). Also called: ALBINISM WITH HEMORRHAGIC DIATHESIS AND PIGMENTED RETICULOENDOTHELIAL CELLS. Identifiers: Orphanet 79430, MedGen C0079504, MONDO:0019312.
Hermansky-Pudlak syndrome 1 (HPS1). Also called: DELTA STORAGE POOL DISEASE. Identifiers: Orphanet 231500, Orphanet 79430, MedGen C2931875, MONDO:0008748, OMIM 203300.

Allele frequency attached by ClinVar (database versions not stated): gnomAD 0.00006 and 0.00007; TOPMed 0.00006; gnomAD exomes 0.00008 and 0.00010; ExAC 0.00009.
gnomAD v4.1: 162 of 1,554,814 alleles (0.01%); highest among the groups gnomAD compares: Middle Eastern, 0.42%; 2 homozygotes.

Submissions (9):

Blueprint Genetics
Classification: Uncertain significance. Last evaluated: 2024-11-17. Review status: criteria provided, single submitter. Criteria: ACMG Guidelines, 2015. Collection method: clinical testing. Allele origin: germline.

Women's Health and Genetics/Laboratory Corporation of America, LabCorp
Classification: Uncertain significance. Last evaluated: 2024-07-30. Review status: criteria provided, single submitter. Criteria: LabCorp Variant Classification Summary - May 2015. Collection method: clinical testing. Allele origin: germline.
Comment: Variant summary: HPS1 c.695C>T (p.Ala232Val) results in a non-conservative amino acid change located in the FUZ/MON1/HPS1, second Longin domain (IPR043971) of the encoded protein sequence. Four of five in-silico tools predict a damaging effect of the variant on protein function. The variant allele was found at a frequency of 8.1e-05 in 160342 control chromosomes in the gnomAD database, including 1 homozygotes. This frequency is not significantly higher than estimated for a pathogenic variant in HPS1 causing Hermansky-Pudlak Syndrome (8.1e-05 vs 0.00096), allowing no conclusion about variant significance. c.695C>T has been reported in the literature in a homozygous individual affected with oculocutaneous albinism (Khan_2016). These data indicate that the variant may be associated with disease. To our knowledge, no experimental evidence demonstrating an impact on protein function has been reported. The following publication have been ascertained in the context of this evaluation (PMID: 26785811). ClinVar contains an entry for this variant (Variation ID: 298345). Based on the evidence outlined above, the variant was classified as VUS-possibly pathogenic.

Fulgent Genetics
Classification: Uncertain significance for Hermansky-Pudlak syndrome 1. Last evaluated: 2024-03-01. Review status: criteria provided, single submitter. Criteria: ACMG Guidelines, 2015. Collection method: clinical testing. Allele origin: germline.

Mayo Clinic Laboratories, Mayo Clinic
Classification: Uncertain significance. Last evaluated: 2023-11-03. Review status: criteria provided, single submitter. Criteria: ACMG Guidelines, 2015. Collection method: clinical testing. Allele origin: germline. Observed: 1 variant allele.
Comment: BP4, PM1_supporting

PreventionGenetics, part of Exact Sciences
Classification: Uncertain significance for HPS1-related condition. Last evaluated: 2023-05-31. Review status: criteria provided, single submitter. Criteria: ACMG Guidelines, 2015. Collection method: clinical testing. Allele origin: germline.
Comment: The HPS1 c.695C>T variant is predicted to result in the amino acid substitution p.Ala232Val. This variant was reported in homozygous state in an individual with albinism (Khan et al 2016. PubMed ID: 26785811). This variant is reported in 0.034% of alleles in individuals of Ashkenazi Jewish descent in gnomAD. At this time, the clinical significance of this variant is uncertain due to the absence of conclusive functional and genetic evidence.

Labcorp Genetics (formerly Invitae), Labcorp
Classification: Uncertain significance. Last evaluated: 2022-10-18. Review status: criteria provided, single submitter. Criteria: Invitae Variant Classification Sherloc (09022015). Collection method: clinical testing. Allele origin: germline.
Comment: This sequence change replaces alanine, which is neutral and non-polar, with valine, which is neutral and non-polar, at codon 232 of the HPS1 protein (p.Ala232Val). The frequency data for this variant in the population databases is considered unreliable, as metrics indicate poor data quality at this position in the gnomAD database. This missense change has been observed in individual(s) with oculocutaneous albinism (PMID: 26785811). ClinVar contains an entry for this variant (Variation ID: 298345). Advanced modeling of protein sequence and biophysical properties (such as structural, functional, and spatial information, amino acid conservation, physicochemical variation, residue mobility, and thermodynamic stability) performed at Invitae indicates that this missense variant is not expected to disrupt HPS1 protein function. In summary, the available evidence is currently insufficient to determine the role of this variant in disease. Therefore, it has been classified as a Variant of Uncertain Significance.

Broad Center for Mendelian Genomics, Broad Institute of MIT and Harvard
Classification: Uncertain significance for Hermansky-Pudlak syndrome. Last evaluated: 2021-11-29. Review status: criteria provided, single submitter. Criteria: ACMG Guidelines, 2015. Collection method: curation. Allele origin: germline. Inheritance: Autosomal recessive inheritance.
Comment: The p.Ala232Val variant in HPS1 has been reported in 1 individual, in the homozygous state, with Hermansky-Pudlak syndrome (PMID: 26785811) and has been identified in 0.03% (4/8856) of Ashkenazi Jewish chromosomes (including one homozygous occurrence) by the Genome Aggregation Database (gnomAD; dbSNP ID: rs764420988). Although this variant has been seen in the general population in a heterozygous state, its frequency is not high enough to rule out a pathogenic role. This variant has also been reported in ClinVar (Variation ID#: 298345) and has been interpreted as VUS by Illumina Clinical Services Laboratory (Illumina). Computational prediction tools, including splice predictors, and conservation analyses suggest that this variant may not impact the protein, though this information is not predictive enough to rule out pathogenicity. In summary, the clinical significance of the p.Ala232Val variant is uncertain. ACMG/AMP Criteria applied: BP4, PM3_supporting (Richards 2015).

Illumina Laboratory Services, Illumina
Classification: Uncertain significance for Hermansky-Pudlak syndrome 1. Last evaluated: 2018-01-12. Review status: criteria provided, single submitter. Criteria: ICSL Variant Classification Criteria 13 December 2019. Collection method: clinical testing. Allele origin: germline.

Breakthrough Genomics
Classification: Uncertain significance. Review status: criteria provided, single submitter. Criteria: ACMG Guidelines, 2015. Collection method: not provided. Allele origin: germline. Inheritance: Autosomal recessive inheritance. Affected: yes.

Literature cited by the submitters: PubMed 26785811 (cited by 3 submitters); PubMed 31898847 (cited by Mayo Clinic Laboratories, Mayo Clinic).